The following is an entry in ClinVar:

ClinVar aggregate classification (germline): Uncertain significance (1 of 4 stars; one submission).

Submission:

Labcorp Genetics (formerly Invitae), Labcorp
Classification: Uncertain significance. Last evaluated: 2023-11-25. Review status: criteria provided, single submitter. Criteria: Invitae Variant Classification Sherloc (09022015). Collection method: clinical testing. Allele origin: germline.
Comment: This sequence change creates a premature translational stop signal (p.Glu260Aspfs*94) in the LZTS1 gene. It is expected to result in an absent or disrupted protein product. However, the current clinical and genetic evidence is not sufficient to establish whether loss-of-function variants in LZTS1 cause disease. This variant is not present in population databases (gnomAD no frequency). This variant has not been reported in the literature in individuals affected with LZTS1-related conditions. In summary, the available evidence is currently insufficient to determine the role of this variant in disease. Therefore, it has been classified as a Variant of Uncertain Significance.

NM_021020.5(LZTS1):c.780del (p.Glu260fs)

Gene: LZTS1 (leucine zipper tumor suppressor 1; minus strand). Cytogenetic location: 8p21.3.
Variant type: Deletion.
Coding change: c.780del on transcript NM_021020.5 (MANE Select); coding-DNA position 780, one base deleted (G; older notation c.780delG).
Protein change: p.Glu260fs; shifts the reading frame from glutamic acid 260.
Molecular consequence: frameshift variant.
Genome position (GRCh38, 1-based): chr8:20,253,151, C deleted on the plus strand (G on the coding strand, the reverse complement: LZTS1 is on the minus strand). VCF-style (leftmost placement, unchanged base first): chr8-20253150-AC-A. GRCh37 (hg19) VCF-style: chr8-20110661-AC-A.
Other names: c.780del, p.Glu260fs (NM_001362884.2); short protein forms E260fs.
Identifiers: ClinVar variation 2720111 (VCV002720111.3), dbSNP rs2486312251, ClinGen allele CA2697549775.
Genomic context (GRCh38, chr8:20,253,150, plus strand): 5'-GCAGCTTCTGGAGGGCGCCCTCCCTCTCCAACAGCTTCTGCTCCAGCTCCTGGATGCTGC[AC>A]TCGTCCGTGGAGATGGGGGAGCGGACACACGAGGGGCCCTTGTCTGCCTTGTTCGAGTGG-3'